The following is an entry in ClinVar:

ClinVar aggregate classification (germline): Pathogenic (1 of 4 stars; one submission).

Conditions:
Jeune thoracic dystrophy. Also called: Infantile thoracic dystrophy; Thoracic pelvic phalangeal dystrophy; Jeune's syndrome; Chondroectodermal dysplasia-like syndrome; Short-rib thoracic dysplasia; Jeune syndrome. Identifiers: Orphanet 474, MedGen C0265275, MONDO:0018770.
Nephronophthisis. Also called: Juvenile Nephronophthisis. Identifiers: Orphanet 655, MedGen C0687120, MONDO:0019005, HP:0000090.

Submission:

Labcorp Genetics (formerly Invitae), Labcorp
Classification: Pathogenic for Jeune thoracic dystrophy; Nephronophthisis. Last evaluated: 2022-04-07. Review status: criteria provided, single submitter. Criteria: Invitae Variant Classification Sherloc (09022015). Collection method: clinical testing. Allele origin: germline.
Comment: This variant is not present in population databases (gnomAD no frequency). For these reasons, this variant has been classified as Pathogenic. This variant has not been reported in the literature in individuals affected with TTC21B-related conditions. This sequence change creates a premature translational stop signal (p.Arg691Glufs*9) in the TTC21B gene. It is expected to result in an absent or disrupted protein product. Loss-of-function variants in TTC21B are known to be pathogenic (PMID: 18327258, 21068128, 21258341, 23559409, 24876116, 25492405, 27491411, 29068549).

Literature cited by the submitters: PubMed 18327258; PubMed 21068128; PubMed 21258341; PubMed 23559409; PubMed 24876116; PubMed 25492405; PubMed 27491411; PubMed 29068549.

NM_024753.5(TTC21B):c.2070del (p.Arg691fs)

Gene: TTC21B (tetratricopeptide repeat domain 21B; minus strand). Cytogenetic location: 2q24.3.
Variant type: Deletion.
Coding change: c.2070del on transcript NM_024753.5 (MANE Select); coding-DNA position 2070, one base deleted (C; older notation c.2070delC).
Protein change: p.Arg691fs; shifts the reading frame from arginine 691.
Molecular consequence: frameshift variant.
Genome position (GRCh38, 1-based): chr2:165,915,269, G deleted on the plus strand (C on the coding strand, the reverse complement: TTC21B is on the minus strand); the first of 2 consecutive G bases (chr2:165,915,269-165,915,270); deleting either gives the same sequence. VCF-style (leftmost placement, unchanged base first): chr2-165915268-TG-T. GRCh37 (hg19) VCF-style: chr2-166771778-TG-T.
Other names: short protein forms R691fs.
Identifiers: ClinVar variation 2122758 (VCV002122758.4), dbSNP rs2468176254, ClinGen allele CA2580064251.